The following is an entry in ClinVar:

NM_000535.7(PMS2):c.1493del (p.Ser498fs)

Gene: PMS2 (PMS1 homolog 2, mismatch repair system component; minus strand). Cytogenetic location: 7p22.1.
Variant type: Deletion.
Coding change: c.1493del on transcript NM_000535.7 (MANE Select); coding-DNA position 1493, one base deleted (G; older notation c.1493delG).
Protein change: p.Ser498fs; shifts the reading frame from serine 498.
Molecular consequence: frameshift variant. On other transcripts: non-coding transcript variant (1), intron variant (1).
Genome position (GRCh38, 1-based): chr7:5,987,272, C deleted on the plus strand (G on the coding strand, the reverse complement: PMS2 is on the minus strand). VCF-style (leftmost placement, unchanged base first): chr7-5987271-GC-G. GRCh37 (hg19) VCF-style: chr7-6026902-GC-G.
Other names: c.1088del, p.Ser363fs (NM_001322003.2, NM_001322004.2, NM_001322005.2 and 16 more transcripts); c.1337del, p.Ser446fs (NM_001322006.2, NM_001406870.1); c.1175del, p.Ser392fs (NM_001322007.2, NM_001322008.2, NM_001406876.1 and 2 more transcripts); c.932del, p.Ser311fs (NM_001322010.2, NM_001406906.1, NM_001406907.1); c.560del, p.Ser187fs (NM_001322011.2, NM_001322012.2); c.920del, p.Ser307fs (NM_001322013.2, NM_001406909.1); c.1493del, p.Ser498fs (NM_001322014.2, NM_001406871.1, NM_001406872.1); c.1184del, p.Ser395fs (NM_001322015.2, NM_001406875.1, NM_001406877.1 and 5 more transcripts); and 14 more; short protein forms S187fs, S241fs, S307fs, S311fs, S327fs, S340fs, S343fs, S363fs.
Identifiers: ClinVar variation 3765429 (VCV003765429.1).

ClinVar aggregate classification (germline): Likely pathogenic (1 of 4 stars; one submission).

Submission:

Center for Genomic Medicine, Rigshospitalet, Copenhagen University Hospital
Classification: Likely pathogenic. Last evaluated: 2025-03-04. Review status: criteria provided, single submitter. Criteria: ACMG Guidelines, 2015. Collection method: clinical testing. Allele origin: germline.
Comment: Classification criteria: PVS1, PM2_supporting